The following is an entry in ClinVar:

NM_000742.4(CHRNA2):c.767C>T (p.Thr256Ile)

Gene: CHRNA2 (cholinergic receptor nicotinic alpha 2 subunit; minus strand). Cytogenetic location: 8p21.2.
Variant type: single nucleotide variant.
Coding change: c.767C>T on transcript NM_000742.4 (MANE Select); coding-DNA position 767, C replaced by T.
Protein change: p.Thr256Ile; replaces threonine 256 with isoleucine.
Molecular consequence: missense variant.
Genome position (GRCh38, 1-based): chr8:27,463,676, G>A on the plus strand (C>T on the coding strand, the complement: CHRNA2 is on the minus strand). VCF-style: chr8-27463676-G-A. GRCh37 (hg19) VCF-style: chr8-27321193-G-A.
Other names: c.722C>T, p.Thr241Ile (NM_001282455.2); c.290C>T, p.Thr97Ile (NM_001347705.2, NM_001347706.2); c.173C>T, p.Thr58Ile (NM_001347707.2, NM_001347708.2); short protein forms T97I, T58I, T241I, T256I.
Identifiers: ClinVar variation 948299 (VCV000948299.7), dbSNP rs1586390822, ClinGen allele CA370810778.
Genomic context (GRCh38, chr8:27,463,676, plus strand): 5'-CAGGGGATGATGAGGTTGATGGTGTAGAAGAGCGGCAGCCGCCGGATGACGAAGGCGTAG[G>A]TGACGTCGGGGTAGATCTCGGCGCAGCAGTCGTACTTCTTGCTGTTGTAGGTGCCCGTGG-3'
Protein context (NP_000733.2, residues 246-266): DCCAEIYPDV[Thr256Ile]YAFVIRRLPL

ClinVar aggregate classification (germline): Uncertain significance. Review status: criteria provided, multiple submitters, no conflicts (2 of 4 stars). 2 submissions from 2 submitters: Uncertain significance (2). Last evaluated 2022-09-07.

Conditions:
Inborn genetic diseases. Identifiers: MedGen C0950123, MeSH D030342.
Familial sleep-related hypermotor epilepsy. Also called: Autosomal Dominant Sleep-Related Hypermotor (Hyperkinetic) Epilepsy. Identifiers: Orphanet 98784, MedGen C3696898, MONDO:0000030.

Submissions (2):

Ambry Genetics
Classification: Uncertain significance for Inborn genetic diseases. Last evaluated: 2022-09-07. Review status: criteria provided, single submitter. Criteria: Ambry Variant Classification Scheme 2023. Collection method: clinical testing. Allele origin: germline.

Labcorp Genetics (formerly Invitae), Labcorp
Classification: Uncertain significance. Last evaluated: 2022-03-08. Review status: criteria provided, single submitter. Criteria: Invitae Variant Classification Sherloc (09022015). Collection method: clinical testing. Allele origin: germline.
Comment: ClinVar contains an entry for this variant (Variation ID: 948299). This variant has not been reported in the literature in individuals affected with CHRNA2-related conditions. This variant is not present in population databases (gnomAD no frequency). This sequence change replaces threonine, which is neutral and polar, with isoleucine, which is neutral and non-polar, at codon 256 of the CHRNA2 protein (p.Thr256Ile). Algorithms developed to predict the effect of missense changes on protein structure and function are either unavailable or do not agree on the potential impact of this missense change (SIFT: "Deleterious"; PolyPhen-2: "Probably Damaging"; Align-GVGD: "Class C0"). In summary, the available evidence is currently insufficient to determine the role of this variant in disease. Therefore, it has been classified as a Variant of Uncertain Significance.